The following is an entry in ClinVar:

NM_178857.6(RP1L1):c.4306T>C (p.Ser1436Pro)

Gene: RP1L1 (RP1 like 1). Cytogenetic location: 8p23.1.
Variant type: single nucleotide variant.
Coding change: c.4306T>C on transcript NM_178857.6 (MANE Select); coding-DNA position 4306, T replaced by C.
Protein change: p.Ser1436Pro; replaces serine 1436 with proline.
Molecular consequence: missense variant.
Genome position (GRCh38, 1-based): chr8:10,609,792, A>G on the plus strand (T>C on the coding strand, the complement: RP1L1 is on the minus strand). VCF-style: chr8-10609792-A-G. GRCh37 (hg19) VCF-style: chr8-10467302-A-G.
Other names: short protein forms S1436P.
Identifiers: ClinVar variation 1302155 (VCV001302155.4), dbSNP rs756335904, ClinGen allele CA4624076.
Genomic context (GRCh38, chr8:10,609,792, plus strand): 5'-GACTAGGGGGCTCTGTGGGTTCCTCTGTGCCCTCTGCGGGGCACGGCTCTGCAGAGGCAG[A>G]GGCTCTTCCTGCTTCCTCCTCCTGGACTGGGTCATCTTCCTGGGAGCCTTTCCCATCCGG-3'
Protein context (NP_849188.4, residues 1426-1446): PVQEEEAGRA[Ser1436Pro]ASAEPCPAEG

ClinVar aggregate classification (germline): Conflicting classifications of pathogenicity. Review status: criteria provided, conflicting classifications (1 of 4 stars). 3 submissions from 3 submitters: Uncertain significance (2); Likely benign (1). Last evaluated 2026-04-29.

Conditions:
Inborn genetic diseases. Identifiers: MedGen C0950123, MeSH D030342.
RP1L1-related disorder. Also called: RP1L1-related condition.

gnomAD v4.1: 44 of 1,613,852 alleles (0.0027%); highest among the groups gnomAD compares: Non-Finnish European, 0.0036%; no homozygotes.

Submissions (3):

PreventionGenetics, part of Exact Sciences
Classification: Uncertain significance for RP1L1-related condition. Last evaluated: 2026-04-29. Review status: criteria provided, single submitter. Criteria: ACMG Guidelines, 2015. Collection method: clinical testing. Allele origin: germline.
Comment: The RP1L1 c.4306T>C variant is predicted to result in the amino acid substitution p.Ser1436Pro. To our knowledge, this variant has not been reported in the literature. This variant is present in 0.0080% of alleles in individuals of European (Finnish) descent in gnomAD. At this time, the clinical significance of this variant is uncertain due to the absence of conclusive functional and genetic evidence.

Ambry Genetics
Classification: Likely benign for Inborn genetic diseases. Last evaluated: 2025-08-13. Review status: criteria provided, single submitter. Criteria: Ambry Variant Classification Scheme 2023. Collection method: clinical testing. Allele origin: germline.

GeneDx
Classification: Uncertain significance. Last evaluated: 2019-06-11. Review status: criteria provided, single submitter. Criteria: GeneDx Variant Classification Process June 2021. Collection method: clinical testing. Allele origin: germline. Affected: yes.
Comment: In silico analysis, which includes protein predictors and evolutionary conservation, supports that this variant does not alter protein structure/function; Has not been previously published as pathogenic or benign to our knowledge